The following is an entry in ClinVar:

ClinVar aggregate classification (germline): Likely pathogenic. Review status: criteria provided, multiple submitters, no conflicts (2 of 4 stars). 5 submissions from 5 submitters: Likely pathogenic (5). Last evaluated 2025-08-06.

Conditions:
Cardiovascular phenotype. Identifiers: MedGen CN230736.
Hypertrophic cardiomyopathy 4. Also called: Familial hypertrophic cardiomyopathy 4. Identifiers: MedGen C1861862, MONDO:0007268, OMIM 115197.
Hypertrophic cardiomyopathy. Also called: HYPERTROPHIC MYOCARDIOPATHY. Identifiers: Orphanet 217569, MedGen C0007194, MeSH D002312, MONDO:0005045, HP:0001639.

Allele frequency attached by ClinVar (database versions not stated): TOPMed below 0.00001.

Submissions (5):

3billion
Classification: Likely pathogenic for Hypertrophic cardiomyopathy 4. Last evaluated: 2025-08-06. Review status: criteria provided, single submitter. Criteria: ACMG Guidelines, 2015. Collection method: clinical testing. Allele origin: germline. Affected: yes.
Comment: The variant is not observed in the gnomAD v4.1.0 dataset. Predicted Consequence/Location: Missense variant In silico tool predictions suggest damaging effect of the variant on gene or gene product [REVEL: 0.96 (>=0.6, sensitivity 0.68 and specificity 0.92)]. The same nucleotide change resulting in the same amino acid change has been previously reported as pathogenic/likely pathogenic with strong evidence (ClinVar ID: VCV000181136 /PMID: 20641121 /3billion dataset). The variant has been reported to co-segregate with the disease in at least 5 similarly affected relatives/individuals in the same family or similarly affected unrelated families (PMID: 20641121). Therefore, this variant is classified as Likely pathogenic according to the recommendation of ACMG/AMP guideline.

Labcorp Genetics (formerly Invitae), Labcorp
Classification: Likely pathogenic for Hypertrophic cardiomyopathy. Last evaluated: 2025-02-19. Review status: criteria provided, single submitter. Criteria: Invitae Variant Classification Sherloc (09022015). Collection method: clinical testing. Allele origin: germline.
Comment: This sequence change replaces leucine, which is neutral and non-polar, with proline, which is neutral and non-polar, at codon 1238 of the MYBPC3 protein (p.Leu1238Pro). This variant is not present in population databases (gnomAD no frequency). This missense change has been observed in individuals with hypertrophic cardiomyopathy (PMID: 20641121, 24111713, 27532257, 32841044, 35653365; internal data). It has also been observed to segregate with disease in related individuals. ClinVar contains an entry for this variant (Variation ID: 181136). An algorithm developed to predict the effect of missense changes on protein structure and function (PolyPhen-2) suggests that this variant is likely to be disruptive. Studies have shown that this missense change alters MYBPC3 gene expression (PMID: 32841044). In summary, the currently available evidence indicates that the variant is pathogenic, but additional data are needed to prove that conclusively. Therefore, this variant has been classified as Likely Pathogenic.

Ambry Genetics
Classification: Likely pathogenic for Cardiovascular phenotype. Last evaluated: 2024-11-06. Review status: criteria provided, single submitter. Criteria: Ambry Variant Classification Scheme 2023. Collection method: clinical testing. Allele origin: germline.
Comment: The p.L1238P variant (also known as c.3713T>C), located in coding exon 33 of the MYBPC3 gene, results from a T to C substitution at nucleotide position 3713. The leucine at codon 1238 is replaced by proline, an amino acid with similar properties. This alteration has been reported in subjects with hypertrophic cardiomyopathy (HCM) and has been noted to segregate with disease (Choi JO et al. Clin Cardiol, 2010 Jul;33:430-8; Berge KE et al. Clin Genet, 2014 Oct;86:355-60; Walsh R et al. Genet Med, 2017 Feb;19:192-203; Wright CF et al. Am J Hum Genet, 2019 Feb;104:275-286; external communication). This amino acid position is highly conserved in available vertebrate species. In addition, this alteration is predicted to be deleterious by in silico analysis. This variant is considered to be rare based on population cohorts in the Genome Aggregation Database (gnomAD). Based on the majority of available evidence to date, this variant is likely to be pathogenic.

GeneDx
Classification: Likely pathogenic. Last evaluated: 2017-02-13. Review status: criteria provided, single submitter. Criteria: GeneDx Variant Classification (06012015). Collection method: clinical testing. Allele origin: germline. Affected: yes.
Comment: The L1238P variant in the MYBPC3 gene has been reported in two probands with HCM (Choi et al., 2010; Berge et al., 2014). The variant segregated with HCM in 5 relatives of one affected proband (Choi et al., 2010). The L1238P variant is not observed in large population cohorts (Lek et al., 2016; 1000 Genomes Consortium et al., 2015; Exome Variant Server). The L1238P variant is a semiconservative amino acid substitution, which may impact secondary protein structure as these residues differ in some properties. This substitution occurs at a position that is conserved across species. In silico analysis predicts this variant is probably damaging to the protein structure/function.

Stanford Center for Inherited Cardiovascular Disease, Stanford University
Classification: Likely pathogenic. Last evaluated: 2017-01-26. Review status: criteria provided, single submitter. Criteria: ACMG Guidelines, 2015. Collection method: provider interpretation. Allele origin: germline.

Literature cited by the submitters: PubMed 20641121 (cited by 3 submitters); PubMed 24111713 (cited by Labcorp Genetics (formerly Invitae), Labcorp and Ambry Genetics); PubMed 27532257 (cited by Labcorp Genetics (formerly Invitae), Labcorp and Ambry Genetics); PubMed 32841044 (cited by Labcorp Genetics (formerly Invitae), Labcorp and Ambry Genetics); PubMed 35653365 (cited by Labcorp Genetics (formerly Invitae), Labcorp and Ambry Genetics); PubMed 28971120 (cited by Ambry Genetics); PubMed 30665703 (cited by Ambry Genetics).

NM_000256.3(MYBPC3):c.3713T>C (p.Leu1238Pro)

Gene: MYBPC3 (myosin binding protein C3; minus strand). Cytogenetic location: 11p11.2.
Variant type: single nucleotide variant.
Coding change: c.3713T>C on transcript NM_000256.3 (MANE Select); coding-DNA position 3713, T replaced by C.
Protein change: p.Leu1238Pro; replaces leucine 1238 with proline.
Molecular consequence: missense variant.
Genome position (GRCh38, 1-based): chr11:47,332,173, A>G on the plus strand (T>C on the coding strand, the complement: MYBPC3 is on the minus strand). VCF-style: chr11-47332173-A-G. GRCh37 (hg19) VCF-style: chr11-47353724-A-G.
Other names: p.L1238P:CTG>CCG; c.3713T>C, p.Leu1238Pro (LRG_386t1); short protein forms L1238P.
Identifiers: ClinVar variation 181136 (VCV000181136.18), dbSNP rs730880702, ClinGen allele CA014684.